The following is an entry in ClinVar:

ClinVar aggregate classification (germline): Uncertain significance (1 of 4 stars; one submission).

Submission:

Labcorp Genetics (formerly Invitae), Labcorp
Classification: Uncertain significance. Last evaluated: 2023-07-10. Review status: criteria provided, single submitter. Criteria: Invitae Variant Classification Sherloc (09022015). Collection method: clinical testing. Allele origin: germline.
Comment: This variant, c.690_701del, results in the deletion of 4 amino acid(s) of the SOX11 protein (p.Asp230_Asp233del), but otherwise preserves the integrity of the reading frame. The frequency data for this variant in the population databases is considered unreliable, as metrics indicate poor data quality at this position in the gnomAD database. This variant has not been reported in the literature in individuals affected with SOX11-related conditions. Experimental studies and prediction algorithms are not available or were not evaluated, and the functional significance of this variant is currently unknown. In summary, the available evidence is currently insufficient to determine the role of this variant in disease. Therefore, it has been classified as a Variant of Uncertain Significance.

NM_003108.4(SOX11):c.675CGA[5] (p.Asp230_Asp233del)

Gene: SOX11 (SRY-box transcription factor 11; plus strand). Cytogenetic location: 2p25.2.
Variant type: Microsatellite.
Coding change: c.675CGA[5] on transcript NM_003108.4 (MANE Select); five copies in a row of the 3-base unit CGA starting at c.675; the reference has nine copies in a row; four copies, 12 bases deleted.
Protein change: p.Asp230_Asp233del.
Molecular consequence: inframe deletion.
Genome position (GRCh38, 1-based): chr2:5,693,411-5,693,422, CGACGACGACGA deleted; deleting any 12 consecutive bases within chr2:5,693,394-5,693,422 gives the same sequence; the position shown is the placement nearest the transcript's 3' end. VCF-style (leftmost placement, unchanged base first): chr2-5693393-GGACGACGACGAC-G. GRCh37 (hg19) VCF-style: chr2-5833525-GGACGACGACGAC-G.
Identifiers: ClinVar variation 2428350 (VCV002428350.5), dbSNP rs746846042, ClinGen allele CA42006692.